The following is an entry in ClinVar:

ClinVar aggregate classification (germline): Benign/Likely benign. Review status: criteria provided, multiple submitters, no conflicts (2 of 4 stars). 3 submissions from 3 submitters: Benign (1); Likely benign (1). 1 of the submissions does not count toward it. Last evaluated 2025-12-31.

Conditions:
Primary ciliary dyskinesia. Also called: Ciliary dyskinesia. Identifiers: Orphanet 244, MedGen C0008780, MONDO:0016575, HP:0012265.
CCDC40-related disorder. Also called: CCDC40-related condition.

Allele frequency attached by ClinVar (database versions not stated): gnomAD 0.00002; TOPMed 0.00002; 1000 Genomes Project 30x 0.00297; 1000 Genomes Project 0.00300.
gnomAD v4.1: 931 of 1,613,984 alleles (0.058%); highest among the groups gnomAD compares: South Asian, 0.91%; 17 homozygotes.

Submissions (3):

Labcorp Genetics (formerly Invitae), Labcorp
Classification: Benign for Primary ciliary dyskinesia. Last evaluated: 2025-12-31. Review status: criteria provided, single submitter. Criteria: Invitae Variant Classification Sherloc (09022015). Collection method: clinical testing. Allele origin: germline.

Ambry Genetics
Classification: Likely benign for Primary ciliary dyskinesia. Last evaluated: 2023-06-12. Review status: criteria provided, single submitter. Criteria: Ambry Variant Classification Scheme 2023. Collection method: clinical testing. Allele origin: germline.

PreventionGenetics, part of Exact Sciences
Classification: Benign for CCDC40-related condition. Last evaluated: 2019-07-15. Review status: no assertion criteria provided. Collection method: clinical testing. Allele origin: germline. Not counted in ClinVar's aggregate classification.
Comment: This variant is classified as benign based on ACMG/AMP sequence variant interpretation guidelines (Richards et al. 2015 PMID: 25741868, with internal and published modifications).

NM_017950.4(CCDC40):c.3066A>G (p.Thr1022=)

Gene: CCDC40 (coiled-coil domain 40 molecular ruler complex subunit; plus strand). Cytogenetic location: 17q25.3.
Variant type: single nucleotide variant.
Coding change: c.3066A>G on transcript NM_017950.4 (MANE Select); coding-DNA position 3066, A replaced by G.
Protein change: p.Thr1022=; no amino-acid change (threonine 1022 retained).
Molecular consequence: synonymous variant.
Genome position (GRCh38, 1-based): chr17:80,097,289, A>G. VCF-style: chr17-80097289-A-G. GRCh37 (hg19) VCF-style: chr17-78071088-A-G.
Identifiers: ClinVar variation 525521 (VCV000525521.16), dbSNP rs534912798, ClinGen allele CA8814618.